The following is an entry in ClinVar:

ClinVar aggregate classification (germline): Likely pathogenic (1 of 4 stars; one submission).

Conditions:
Neuromuscular disease caused by qualitative or quantitative defects of dysferlin. Also called: Qualitative or quantitative defects of dysferlin; Dysferlinopathy. Identifiers: Orphanet 207073, MedGen C2931687, MONDO:0016145.

Submission:

Labcorp Genetics (formerly Invitae), Labcorp
Classification: Likely pathogenic for Neuromuscular disease caused by qualitative or quantitative defects of dysferlin. Last evaluated: 2022-03-19. Review status: criteria provided, single submitter. Criteria: Invitae Variant Classification Sherloc (09022015). Collection method: clinical testing. Allele origin: germline.
Comment: In summary, the currently available evidence indicates that the variant is pathogenic, but additional data are needed to prove that conclusively. Therefore, this variant has been classified as Likely Pathogenic. Algorithms developed to predict the effect of sequence changes on RNA splicing suggest that this variant may disrupt the consensus splice site. Disruption of this splice site has been observed in individual(s) with limb-girdle muscular dystrophy (PMID: 33610434). This variant is not present in population databases (gnomAD no frequency). This sequence change affects an acceptor splice site in intron 49 of the DYSF gene. It is expected to disrupt RNA splicing. Variants that disrupt the donor or acceptor splice site typically lead to a loss of protein function (PMID: 16199547), and loss-of-function variants in DYSF are known to be pathogenic (PMID: 17698709, 20301480).

Literature cited by the submitters: PubMed 33610434; PubMed 16199547; PubMed 17698709; PubMed 20301480.

NM_001130987.2(DYSF):c.5643-2A>C

Gene: DYSF (dysferlin; plus strand). Cytogenetic location: 2p13.2.
Variant type: single nucleotide variant.
Coding change: c.5643-2A>C on transcript NM_001130987.2 (MANE Select); the canonical splice acceptor site of the intron before coding-DNA position 5643, A replaced by C.
Molecular consequence: splice acceptor variant.
Genome position (GRCh38, 1-based): chr2:71,669,603, A>C. VCF-style: chr2-71669603-A-C. GRCh37 (hg19) VCF-style: chr2-71896733-A-C.
Other names: c.5619-2A>C (NM_001130979.2); c.5640-2A>C (NM_001130981.2); c.5577-2A>C (NM_001130980.2); c.5589-2A>C (NM_001130978.2); c.5526-2A>C (NM_003494.4); c.5547-2A>C (NM_001130977.2); c.5484-2A>C (NM_001130976.2); c.5622-2A>C (NM_001130982.2); and 5 more.
Identifiers: ClinVar variation 2114598 (VCV002114598.4), dbSNP rs2152956502, ClinGen allele CA347223300.